The following is an entry in ClinVar:

ClinVar aggregate classification (germline): Uncertain significance. Review status: criteria provided, multiple submitters, no conflicts (2 of 4 stars). 3 submissions from 3 submitters: Uncertain significance (3). Last evaluated 2022-07-25.

Conditions:
Galloway-Mowat syndrome 1 (GAMOS1). Identifiers: Orphanet 2065, Orphanet 83472, MedGen C4551772, MONDO:0033005, OMIM 251300.

Allele frequency attached by ClinVar (database versions not stated): TOPMed 0.00002.
gnomAD v4.1: 39 of 1,551,358 alleles (0.0025%); highest among the groups gnomAD compares: Middle Eastern, 0.036%; no homozygotes.

Submissions (3):

Labcorp Genetics (formerly Invitae), Labcorp
Classification: Uncertain significance. Last evaluated: 2022-07-25. Review status: criteria provided, single submitter. Criteria: Invitae Variant Classification Sherloc (09022015). Collection method: clinical testing. Allele origin: germline.
Comment: This sequence change replaces arginine, which is basic and polar, with cysteine, which is neutral and slightly polar, at codon 378 of the WDR73 protein (p.Arg378Cys). This variant is present in population databases (rs376622127, gnomAD 0.02%). This variant has not been reported in the literature in individuals affected with WDR73-related conditions. ClinVar contains an entry for this variant (Variation ID: 1031002). Algorithms developed to predict the effect of missense changes on protein structure and function output the following: SIFT: "Tolerated"; PolyPhen-2: "Probably Damaging"; Align-GVGD: "Class C0". The cysteine amino acid residue is found in multiple mammalian species, which suggests that this missense change does not adversely affect protein function. In summary, the available evidence is currently insufficient to determine the role of this variant in disease. Therefore, it has been classified as a Variant of Uncertain Significance.

Fulgent Genetics
Classification: Uncertain significance for Galloway-Mowat syndrome 1. Last evaluated: 2022-03-15. Review status: criteria provided, single submitter. Criteria: ACMG Guidelines, 2015. Collection method: clinical testing. Allele origin: unknown.

Baylor Genetics
Classification: Uncertain significance for Galloway-Mowat syndrome 1. Last evaluated: 2019-10-07. Review status: criteria provided, single submitter. Criteria: ACMG Guidelines, 2015. Collection method: clinical testing. Allele origin: unknown. Affected: yes.
Comment: This variant was determined to be of uncertain significance according to ACMG Guidelines, 2015 [PMID:25741868].

NM_032856.5(WDR73):c.1132C>T (p.Arg378Cys)

Gene: WDR73 (WD repeat domain 73; minus strand). Cytogenetic location: 15q25.2.
Variant type: single nucleotide variant.
Coding change: c.1132C>T on transcript NM_032856.5 (MANE Select); coding-DNA position 1132, C replaced by T.
Protein change: p.Arg378Cys; replaces arginine 378 with cysteine.
Molecular consequence: missense variant. On other transcripts: non-coding transcript variant (4).
Genome position (GRCh38, 1-based): chr15:84,643,475, G>A on the plus strand (C>T on the coding strand, the complement: WDR73 is on the minus strand). VCF-style: chr15-84643475-G-A. GRCh37 (hg19) VCF-style: chr15-85186706-G-A.
Other names: short protein forms R378C.
Identifiers: ClinVar variation 1031002 (VCV001031002.5), dbSNP rs376622127, ClinGen allele CA7707135.